The following is an entry in ClinVar:

NM_001304438.2(TMEM132E):c.382G>T (p.Ala128Ser)

Gene: TMEM132E (transmembrane protein 132E; plus strand). Cytogenetic location: 17q12.
Variant type: single nucleotide variant.
Coding change: c.382G>T on transcript NM_001304438.2 (MANE Select); coding-DNA position 382, G replaced by T.
Protein change: p.Ala128Ser; replaces alanine 128 with serine.
Molecular consequence: missense variant.
Genome position (GRCh38, 1-based): chr17:34,626,441, G>T. VCF-style: chr17-34626441-G-T. GRCh37 (hg19) VCF-style: chr17-32953460-G-T.
Other names: short protein forms A128S.
Identifiers: ClinVar variation 977484 (VCV000977484.3), dbSNP rs766225189, ClinGen allele CA8496432.

ClinVar aggregate classification (germline): no classifications from unflagged records (0 of 4 stars; one submission).

Conditions:
Hearing loss, autosomal recessive 99. Also called: DEAFNESS, AUTOSOMAL RECESSIVE 99. Identifiers: MedGen C4760579, MONDO:0032776, OMIM 618481.

Allele frequency attached by ClinVar (database versions not stated): ExAC 0.00001; gnomAD exomes 0.00001.
gnomAD v4.1: 17 of 1,613,276 alleles (0.0011%); highest among the groups gnomAD compares: South Asian, 0.018%; no homozygotes.

Submission:

OMIM
Classification: Pathogenic for DEAFNESS, AUTOSOMAL RECESSIVE 99. Last evaluated: 2020-09-04. Review status: flagged submission. Collection method: literature only. Allele origin: germline.
ClinVar note: Notes: Flagging candidate with reason of insufficient supporting evidence. This gene has been classified as having a limited gene-disease relationship by a ClinGen Expert Panel.
ClinVar note: Reason: Other

Literature cited by the submitters: PubMed 31656313.